The following is an entry in ClinVar:

NM_017617.5(NOTCH1):c.4780C>T (p.Arg1594Trp)

Gene: NOTCH1 (notch receptor 1; minus strand). Cytogenetic location: 9q34.3.
Variant type: single nucleotide variant.
Coding change: c.4780C>T on transcript NM_017617.5 (MANE Select); coding-DNA position 4780, C replaced by T.
Protein change: p.Arg1594Trp; replaces arginine 1594 with tryptophan.
Molecular consequence: missense variant.
Genome position (GRCh38, 1-based): chr9:136,504,911, G>A on the plus strand (C>T on the coding strand, the complement: NOTCH1 is on the minus strand). VCF-style: chr9-136504911-G-A. GRCh37 (hg19) VCF-style: chr9-139399363-G-A.
Other names: c.4780C>T (NM_017617.3); short protein forms R1594W.
Identifiers: ClinVar variation 2917297 (VCV002917297.4), dbSNP rs1213244424, ClinGen allele CA375645031.

ClinVar aggregate classification (germline): Conflicting classifications of pathogenicity. Review status: criteria provided, conflicting classifications (1 of 4 stars). 2 submissions from 2 submitters: Uncertain significance (1); Likely benign (1). Last evaluated 2025-09-25.

Conditions:
Adams-Oliver syndrome 5 (AOS5). Identifiers: Orphanet 974, MedGen C4014970, MONDO:0014459, OMIM 616028.

Allele frequency attached by ClinVar (database versions not stated): gnomAD 0.00001; TOPMed 0.00001; gnomAD exomes below 0.00001.

Submissions (2):

Labcorp Genetics (formerly Invitae), Labcorp
Classification: Likely benign for Adams-Oliver syndrome 5. Last evaluated: 2025-09-25. Review status: criteria provided, single submitter. Criteria: Invitae Variant Classification Sherloc (09022015). Collection method: clinical testing. Allele origin: germline.

GeneDx
Classification: Uncertain significance. Last evaluated: 2024-05-07. Review status: criteria provided, single submitter. Criteria: GeneDx Variant Classification Process June 2021. Collection method: clinical testing. Allele origin: germline. Affected: yes.
Comment: Identified in a patient with pulmonary arterial hypertension and an atrial septal defect in published literature; this patient also harbored an additional cardiogenetic variant (PMID: 30029678); Not observed at significant frequency in large population cohorts (gnomAD); In silico analysis supports that this missense variant has a deleterious effect on protein structure/function; This variant is associated with the following publications: (PMID: 30029678)